The following is an entry in ClinVar:

ClinVar aggregate classification (germline): Pathogenic. Review status: criteria provided, single submitter (1 of 4 stars). 2 submissions from 2 submitters: Pathogenic (1). 1 of the submissions does not count toward it. Last evaluated 2018-04-16.

Conditions:
Exudative vitreoretinopathy 1 (EVR1). Also called: CRISWICK-SCHEPENS SYNDROME; FEVR, AUTOSOMAL DOMINANT; Familial exudative vitreoretinopathy, autosomal dominant. Identifiers: Orphanet 891, Orphanet 90050, MedGen C1851402, MONDO:0007589, OMIM 133780.

Submissions (2):

GeneDx
Classification: Pathogenic. Last evaluated: 2018-04-16. Review status: criteria provided, single submitter. Criteria: GeneDx Variant Classification (06012015). Collection method: clinical testing. Allele origin: germline. Affected: yes.
Comment: The c.1479_1484delGTGGAT variant has been published as a pathogenic variant in a large extended family diagnosed with autosomal dominant (Robitaille et al., 2002). In vitro functional studies demonstrated that the c.1479_1484delGTGGAT variant and other disease-causing variants in the FZD4 gene result in a loss-of-function (Robitaille et al., 2002). The c.1479_1484delGTGGAT variant is not observed in large population cohorts (Lek et al., 2016). The c.1479_1484delGTGGAT result in the loss of two conserved amino acid residues. In-silico analyses, including protein predictors and evolutionary conservation, support a deleterious effect. Therefore, this variant is pathogenic.

OMIM
Classification: Pathogenic for EXUDATIVE VITREORETINOPATHY 1. Last evaluated: 2002-10-01. Review status: no assertion criteria provided. Collection method: literature only. Allele origin: germline. Not counted in ClinVar's aggregate classification.

Literature cited by the submitters: PubMed 12172548 (cited by OMIM).

NM_012193.4(FZD4):c.1479_1484del (p.Met493_Trp494del)

Genes: FZD4 (frizzled class receptor 4; minus strand), PRSS23 (serine protease 23; plus strand). Cytogenetic location: 11q14.2.
Variant type: Deletion.
Coding change: c.1479_1484del on transcript NM_012193.4 (MANE Select); coding-DNA positions 1479 to 1484, 6 bases deleted (GTGGAT; older notation c.1479_1484delGTGGAT).
Protein change: p.Met493_Trp494del.
Molecular consequence: inframe deletion. On other transcripts: non-coding transcript variant (2).
Genome position (GRCh38, 1-based): chr11:86,951,272-86,951,277, ATCCAC deleted on the plus strand (GTGGAT on the coding strand, the reverse complement: FZD4 is on the minus strand); deleting any 6 consecutive bases within chr11:86,951,272-86,951,279 gives the same sequence; the c. name uses the placement nearest the transcript's 3' end. VCF-style (leftmost placement, unchanged base first): chr11-86951271-AATCCAC-A. GRCh37 (hg19) VCF-style: chr11-86662313-AATCCAC-A.
Identifiers: ClinVar variation 5484 (VCV000005484.2), dbSNP rs80358301, ClinGen allele CA253498.